The following is an entry in ClinVar:

NM_000465.4(BARD1):c.1366G>A (p.Val456Ile)

Gene: BARD1 (BRCA1 associated RING domain 1; minus strand). Cytogenetic location: 2q35.
Variant type: single nucleotide variant.
Coding change: c.1366G>A on transcript NM_000465.4 (MANE Select); coding-DNA position 1366, G replaced by A.
Protein change: p.Val456Ile; replaces valine 456 with isoleucine.
Molecular consequence: missense variant. On other transcripts: non-coding transcript variant (3), intron variant (3).
Genome position (GRCh38, 1-based): chr2:214,769,261, C>T on the plus strand (G>A on the coding strand, the complement: BARD1 is on the minus strand). VCF-style: chr2-214769261-C-T. GRCh37 (hg19) VCF-style: chr2-215633985-C-T.
Other names: c.1309G>A, p.Val437Ile (NM_001282543.2); c.159-16706G>A (NM_001282548.2); c.216-16706G>A (NM_001282545.2); c.364+23036G>A (NM_001282549.2); short protein forms V456I, V437I.
Identifiers: ClinVar variation 1770935 (VCV001770935.2), dbSNP rs1553619705, ClinGen allele CA350450257.

ClinVar aggregate classification (germline): Uncertain significance (1 of 4 stars; one submission).

Conditions:
Hereditary cancer-predisposing syndrome. Also called: Hereditary Cancer Syndrome; Hereditary neoplastic syndrome; Neoplastic Syndromes, Hereditary; Tumor predisposition. Identifiers: Orphanet 140162, MedGen C0027672, MeSH D009386, MONDO:0015356.

Allele frequency attached by ClinVar (database versions not stated): gnomAD exomes below 0.00001.
gnomAD v4.1: 1 of 1,613,696 alleles (0.000062%); highest among the groups gnomAD compares: Non-Finnish European, 0.000085%; no homozygotes.

Submission:

Ambry Genetics
Classification: Uncertain significance for Hereditary cancer-predisposing syndrome. Last evaluated: 2021-10-04. Review status: criteria provided, single submitter. Criteria: Ambry Variant Classification Scheme 2023. Collection method: clinical testing. Allele origin: germline.
Comment: The p.V456I variant (also known as c.1366G>A), located in coding exon 5 of the BARD1 gene, results from a G to A substitution at nucleotide position 1366. The valine at codon 456 is replaced by isoleucine, an amino acid with highly similar properties. This amino acid position is highly conserved in available vertebrate species. In addition, this alteration is predicted to be tolerated by in silico analysis. Since supporting evidence is limited at this time, the clinical significance of this alteration remains unclear.